The following is an entry in ClinVar:

NM_152384.3(BBS5):c.522+1G>A

Gene: BBS5 (Bardet-Biedl syndrome 5; plus strand). Cytogenetic location: 2q31.1.
Variant type: single nucleotide variant.
Coding change: c.522+1G>A on transcript NM_152384.3 (MANE Select); the canonical splice donor site of the intron after coding-DNA position 522, G replaced by A.
Molecular consequence: splice donor variant.
Genome position (GRCh38, 1-based): chr2:169,493,010, G>A. VCF-style: chr2-169493010-G-A. GRCh37 (hg19) VCF-style: chr2-170349520-G-A.
Identifiers: ClinVar variation 3350939 (VCV003350939.2).

ClinVar aggregate classification (germline): Likely pathogenic. Review status: criteria provided, single submitter (1 of 4 stars). 2 submissions from 2 submitters: Likely pathogenic (1). 1 of the submissions does not count toward it. Last evaluated 2023-01-30.

Conditions:
BBS5-related disorder. Also called: BBS5-related condition.

gnomAD v4.1: 1 of 1,613,268 alleles (0.000062%); highest among the groups gnomAD compares: Admixed American, 0.0017%; no homozygotes.

Submissions (2):

Blueprint Genetics
Classification: Likely pathogenic for BBS5-related disorders. Last evaluated: 2023-01-30. Review status: criteria provided, single submitter. Criteria: ACMG Guidelines, 2015. Collection method: clinical testing. Allele origin: germline. Affected: yes. Observed: 1 variant allele.

PreventionGenetics, part of Exact Sciences
Classification: Likely pathogenic for BBS5-related condition. Last evaluated: 2023-10-29. Review status: no assertion criteria provided. Collection method: clinical testing. Allele origin: germline. Not counted in ClinVar's aggregate classification.
Comment: The BBS5 c.522+1G>A variant is predicted to disrupt the GT donor site and interfere with normal splicing. This variant has been observed in a large dataset of worldwide populations used to evaluate the frequency or percentage of individuals carrying a disease-causing variant in genes associated with autosomal recessive inherited retinal diseases (IRDs). (Table S3, Hanany et al. 2020. PubMed ID: 31964843). This variant is reported in 0.12% of alleles in individuals of Latino descent in gnomAD. Variants that disrupt the consensus splice donor site in BBS5 are expected to be pathogenic. This variant is interpreted as likely pathogenic.